The following is an entry in ClinVar:

ClinVar aggregate classification (germline): Uncertain significance. Review status: criteria provided, multiple submitters, no conflicts (2 of 4 stars). 2 submissions from 2 submitters: Uncertain significance (2). Last evaluated 2025-06-12.

Conditions:
Renal hypomagnesemia 4. Also called: HYPOMAGNESEMIA, RENAL, NORMOCALCIURIC. Identifiers: Orphanet 34527, MedGen C2673648, MONDO:0012717, OMIM 611718.

Allele frequency attached by ClinVar (database versions not stated): gnomAD exomes 0.00004; ExAC 0.00005; gnomAD 0.00005 and 0.00006; TOPMed 0.00006; ESP Exome Variant Server 0.00023.
gnomAD v4.1: 63 of 1,613,934 alleles (0.0039%); highest among the groups gnomAD compares: African/African-American, 0.0093%; no homozygotes.

Submissions (2):

Labcorp Genetics (formerly Invitae), Labcorp
Classification: Uncertain significance. Last evaluated: 2025-06-12. Review status: criteria provided, single submitter. Criteria: Invitae Variant Classification Sherloc (09022015). Collection method: clinical testing. Allele origin: germline.
Comment: This sequence change replaces arginine, which is basic and polar, with glutamine, which is neutral and polar, at codon 213 of the EGF protein (p.Arg213Gln). This variant is present in population databases (rs373552129, gnomAD 0.02%). This variant has not been reported in the literature in individuals affected with EGF-related conditions. ClinVar contains an entry for this variant (Variation ID: 1403287). An algorithm developed to predict the effect of missense changes on protein structure and function (PolyPhen-2) suggests that this variant is likely to be tolerated. In summary, the available evidence is currently insufficient to determine the role of this variant in disease. Therefore, it has been classified as a Variant of Uncertain Significance.

Fulgent Genetics
Classification: Uncertain significance for Renal hypomagnesemia 4. Last evaluated: 2022-05-12. Review status: criteria provided, single submitter. Criteria: ACMG Guidelines, 2015. Collection method: clinical testing. Allele origin: unknown.

NM_001963.6(EGF):c.638G>A (p.Arg213Gln)

Gene: EGF (epidermal growth factor; plus strand). Cytogenetic location: 4q25.
Variant type: single nucleotide variant.
Coding change: c.638G>A on transcript NM_001963.6 (MANE Select); coding-DNA position 638, G replaced by A.
Protein change: p.Arg213Gln; replaces arginine 213 with glutamine.
Molecular consequence: missense variant.
Genome position (GRCh38, 1-based): chr4:109,943,970, G>A. VCF-style: chr4-109943970-G-A. GRCh37 (hg19) VCF-style: chr4-110865126-G-A.
Other names: c.638G>A, p.Arg213Gln (NM_001178130.3, NM_001178131.3, NM_001357021.2); short protein forms R213Q.
Identifiers: ClinVar variation 1403287 (VCV001403287.8), dbSNP rs373552129, ClinGen allele CA3043458.